The following is an entry in ClinVar:

NM_001282531.3(ADNP):c.108+6T>C

Gene: ADNP (activity dependent neuroprotector homeobox; minus strand). Cytogenetic location: 20q13.13.
Variant type: single nucleotide variant.
Coding change: c.108+6T>C on transcript NM_001282531.3 (MANE Select); 6 bases into the intron after coding-DNA position 108, T replaced by C.
Molecular consequence: intron variant.
Genome position (GRCh38, 1-based): chr20:50,903,883, A>G on the plus strand (T>C on the coding strand, the complement: ADNP is on the minus strand). VCF-style: chr20-50903883-A-G. GRCh37 (hg19) VCF-style: chr20-49520420-A-G.
Other names: NC_000020.10:g.49520420A>G; c.108+6T>C (NM_181442.4, NM_001347511.2, NM_015339.5 and 1 more transcripts).
Identifiers: ClinVar variation 816876 (VCV000816876.9), dbSNP rs1600956430, ClinGen allele CA915951966.
Genomic context (GRCh38, chr20:50,903,883, plus strand): 5'-CACTGACACAAAGTAATGGATCAGAAGCTGAGTCATGTTAAAATTTAAAAATGACATGCT[A>G]CTTACTTCTATATGTTCTTTACAGTATTCCAACCCAATGTCACTAAGTATTTTTTTCACA-3'

ClinVar aggregate classification (germline): Uncertain significance. Review status: criteria provided, multiple submitters, no conflicts (2 of 4 stars). 2 submissions from 2 submitters: Uncertain significance (2). Last evaluated 2025-10-01.

Conditions:
ADNP-related multiple congenital anomalies - intellectual disability - autism spectrum disorder. Also called: Helsmoortel-Van der Aa Syndrome; ADNP-Related Helsmoortel-Van der Aa Syndrome. Identifiers: Orphanet 404448, MedGen C4014538, MONDO:0014379, OMIM 615873. Disease mechanism: loss of function.

Submissions (3):

CeGaT Center for Human Genetics Tuebingen
Classification: Uncertain significance. Last evaluated: 2025-10-01. Review status: criteria provided, single submitter. Criteria: CeGaT Center For Human Genetics Tuebingen Variant Classification Criteria Version 2. Collection method: clinical testing. Allele origin: germline. Affected: yes. Observed: 1 variant allele.
Comment: ADNP: PM2, PS2:Supporting, BP4

Genomic Medicine Lab, University of California San Francisco
Classification: Uncertain significance for ADNP-related multiple congenital anomalies - intellectual disability - autism spectrum disorder. Last evaluated: 2018-04-26. Review status: criteria provided, single submitter. Criteria: ACMG Guidelines, 2015. Collection method: clinical testing. Allele origin: maternal. Inheritance: Autosomal dominant inheritance. Study: CSER.

Dr. Peter K. Rogan Lab, Western University
No classification provided (evidence only). Condition: Mesothelioma. Review status: no classification provided. Collection method: in vitro. Allele origin: not applicable. Functional consequence: skipped exon. Not counted in ClinVar's aggregate classification.